The following is an entry in ClinVar:

ClinVar aggregate classification (germline): Uncertain significance (1 of 4 stars; one submission).

Allele frequency attached by ClinVar (database versions not stated): ExAC 0.00002; gnomAD exomes 0.00002; gnomAD 0.00003; TOPMed 0.00005.
gnomAD v4.1: 14 of 1,614,004 alleles (0.00087%); highest among the groups gnomAD compares: Admixed American, 0.023%; no homozygotes.

Submission:

Labcorp Genetics (formerly Invitae), Labcorp
Classification: Uncertain significance. Last evaluated: 2024-05-24. Review status: criteria provided, single submitter. Criteria: Invitae Variant Classification Sherloc (09022015). Collection method: clinical testing. Allele origin: germline.
Comment: This sequence change replaces methionine, which is neutral and non-polar, with valine, which is neutral and non-polar, at codon 584 of the MYH7B protein (p.Met584Val). This variant is present in population databases (rs769311135, gnomAD 0.02%). This variant has not been reported in the literature in individuals affected with MYH7B-related conditions. ClinVar contains an entry for this variant (Variation ID: 2196672). Advanced modeling of protein sequence and biophysical properties (such as structural, functional, and spatial information, amino acid conservation, physicochemical variation, residue mobility, and thermodynamic stability) performed at Invitae indicates that this missense variant is not expected to disrupt MYH7B protein function with a negative predictive value of 80%. In summary, the available evidence is currently insufficient to determine the role of this variant in disease. Therefore, it has been classified as a Variant of Uncertain Significance.

NM_020884.7(MYH7B):c.1624A>G (p.Met542Val)

Gene: MYH7B (myosin heavy chain 7B; plus strand). Cytogenetic location: 20q11.22.
Variant type: single nucleotide variant.
Coding change: c.1624A>G on transcript NM_020884.7 (MANE Select); coding-DNA position 1624, A replaced by G.
Protein change: p.Met542Val; replaces methionine 542 with valine.
Molecular consequence: missense variant.
Genome position (GRCh38, 1-based): chr20:34,989,776, A>G. VCF-style: chr20-34989776-A-G. GRCh37 (hg19) VCF-style: chr20-33577579-A-G.
Other names: short protein forms M542V.
Identifiers: ClinVar variation 2196672 (VCV002196672.4), dbSNP rs769311135, ClinGen allele CA9827011.